The following is an entry in ClinVar:

NM_002972.4(SBF1):c.2871G>A (p.Pro957=)

Gene: SBF1 (SET binding factor 1; minus strand). Cytogenetic location: 22q13.33.
Variant type: single nucleotide variant.
Coding change: c.2871G>A on transcript NM_002972.4 (MANE Select); coding-DNA position 2871, G replaced by A.
Protein change: p.Pro957=; no amino-acid change (proline 957 retained).
Molecular consequence: synonymous variant.
Genome position (GRCh38, 1-based): chr22:50,461,255, C>T on the plus strand (G>A on the coding strand, the complement: SBF1 is on the minus strand). VCF-style: chr22-50461255-C-T. GRCh37 (hg19) VCF-style: chr22-50899684-C-T.
Other names: c.2874G>A, p.Pro958= (NM_001365819.1).
Identifiers: ClinVar variation 1176452 (VCV001176452.39), dbSNP rs757816344, ClinGen allele CA10316989.

ClinVar aggregate classification (germline): Conflicting classifications of pathogenicity. Review status: criteria provided, conflicting classifications (1 of 4 stars). 2 submissions from 2 submitters: Uncertain significance (1); Likely benign (1). Last evaluated 2024-08-21.

Allele frequency attached by ClinVar (database versions not stated): gnomAD 0.00002; ExAC 0.00003; gnomAD exomes 0.00003; TOPMed 0.00004.
gnomAD v4.1: 26 of 1,611,914 alleles (0.0016%); highest among the groups gnomAD compares: African/African-American, 0.0067%; no homozygotes.

Submissions (2):

Labcorp Genetics (formerly Invitae), Labcorp
Classification: Uncertain significance. Last evaluated: 2024-08-21. Review status: criteria provided, single submitter. Criteria: Invitae Variant Classification Sherloc (09022015). Collection method: clinical testing. Allele origin: germline.
Comment: This sequence change affects codon 957 of the SBF1 mRNA. It is a 'silent' change, meaning that it does not change the encoded amino acid sequence of the SBF1 protein. This variant is present in population databases (rs757816344, gnomAD 0.01%). This variant has not been reported in the literature in individuals affected with SBF1-related conditions. ClinVar contains an entry for this variant (Variation ID: 1176452). Algorithms developed to predict the effect of sequence changes on RNA splicing suggest that this variant may create or strengthen a splice site. In summary, the available evidence is currently insufficient to determine the role of this variant in disease. Therefore, it has been classified as a Variant of Uncertain Significance.

CeGaT Center for Human Genetics Tuebingen
Classification: Likely benign. Last evaluated: 2021-05-01. Review status: criteria provided, single submitter. Criteria: CeGaT Center For Human Genetics Tuebingen Variant Classification Criteria Version 2. Collection method: clinical testing. Allele origin: germline. Affected: yes. Observed: 1 variant allele.